The following is an entry in ClinVar:

ClinVar aggregate classification (germline): Uncertain significance (1 of 4 stars; one submission).

Submission:

GeneDx
Classification: Uncertain significance. Last evaluated: 2023-09-22. Review status: criteria provided, single submitter. Criteria: GeneDx Variant Classification Process June 2021. Collection method: clinical testing. Allele origin: germline. Affected: yes.
Comment: Not observed at significant frequency in large population cohorts (gnomAD); In silico analysis supports that this missense variant has a deleterious effect on protein structure/function; Has not been previously published as pathogenic or benign to our knowledge

NM_001127222.2(CACNA1A):c.4747A>C (p.Met1583Leu)

Gene: CACNA1A (calcium voltage-gated channel subunit alpha1 A; minus strand). Cytogenetic location: 19p13.13.
Variant type: single nucleotide variant.
Coding change: c.4747A>C on transcript NM_001127222.2 (MANE Select); coding-DNA position 4747, A replaced by C.
Protein change: p.Met1583Leu; replaces methionine 1583 with leucine.
Molecular consequence: missense variant.
Genome position (GRCh38, 1-based): chr19:13,255,103, T>G on the plus strand (A>C on the coding strand, the complement: CACNA1A is on the minus strand). VCF-style: chr19-13255103-T-G. GRCh37 (hg19) VCF-style: chr19-13365917-T-G.
Other names: c.4759A>C, p.Met1587Leu (NM_000068.4, NM_023035.3); c.4750A>C, p.Met1584Leu (NM_001127221.2, NM_001174080.2); short protein forms M1583L, M1584L, M1587L.
Identifiers: ClinVar variation 2580795 (VCV002580795.1), dbSNP rs2512728316, ClinGen allele CA404338335.